The following is an entry in ClinVar:

NM_006516.4(SLC2A1):c.1266C>A (p.Phe422Leu)

Gene: SLC2A1 (solute carrier family 2 member 1; minus strand). Cytogenetic location: 1p34.2.
Variant type: single nucleotide variant.
Coding change: c.1266C>A on transcript NM_006516.4 (MANE Select); coding-DNA position 1266, C replaced by A.
Protein change: p.Phe422Leu; replaces phenylalanine 422 with leucine.
Molecular consequence: missense variant.
Genome position (GRCh38, 1-based): chr1:42,927,617, G>T on the plus strand (C>A on the coding strand, the complement: SLC2A1 is on the minus strand). VCF-style: chr1-42927617-G-T. GRCh37 (hg19) VCF-style: chr1-43393288-G-T.
Other names: short protein forms F422L.
Identifiers: ClinVar variation 1440651 (VCV001440651.6), dbSNP rs2124446209, ClinGen allele CA339953627.

ClinVar aggregate classification (germline): Pathogenic (1 of 4 stars; one submission).

Conditions:
GLUT1 deficiency syndrome 1, autosomal recessive. Identifiers: MedGen C3149117.

Submission:

Labcorp Genetics (formerly Invitae), Labcorp
Classification: Pathogenic for GLUT1 deficiency syndrome 1, autosomal recessive. Last evaluated: 2021-10-29. Review status: criteria provided, single submitter. Criteria: Invitae Variant Classification Sherloc (09022015). Collection method: clinical testing. Allele origin: germline.
Comment: This variant is not present in population databases (gnomAD no frequency). For these reasons, this variant has been classified as Pathogenic. Advanced modeling of protein sequence and biophysical properties (such as structural, functional, and spatial information, amino acid conservation, physicochemical variation, residue mobility, and thermodynamic stability) performed at Invitae indicates that this missense variant is expected to disrupt SLC2A1 protein function. This missense change has been observed in individual(s) with SLC2A1-related conditions (Invitae). In at least one individual the variant was observed to be de novo. This sequence change replaces phenylalanine, which is neutral and non-polar, with leucine, which is neutral and non-polar, at codon 422 of the SLC2A1 protein (p.Phe422Leu).